The following is an entry in ClinVar:

NM_005732.4(RAD50):c.1351A>T (p.Ser451Cys)

Gene: RAD50 (RAD50 double strand break repair protein; plus strand). Cytogenetic location: 5q31.1.
Variant type: single nucleotide variant.
Coding change: c.1351A>T on transcript NM_005732.4 (MANE Select); coding-DNA position 1351, A replaced by T.
Protein change: p.Ser451Cys; replaces serine 451 with cysteine.
Molecular consequence: missense variant.
Genome position (GRCh38, 1-based): chr5:132,589,736, A>T. VCF-style: chr5-132589736-A-T. GRCh37 (hg19) VCF-style: chr5-131925428-A-T.
Other names: short protein forms S451C.
Identifiers: ClinVar variation 2861076 (VCV002861076.3), dbSNP rs1554098321, ClinGen allele CA360944244.
Genomic context (GRCh38, chr5:132,589,736, plus strand): 5'-GAGATAAGAGATAAGAAAACTGGACTGGGAAGAATAATTGAGTTAAAATCAGAAATCCTA[A>T]GTAAGAAGCAGAATGAGCTGAAAAATGTGAAGTATGAATTACAGCAGTTGGAAGGATCTT-3'
Protein context (NP_005723.2, residues 441-461): RIIELKSEIL[Ser451Cys]KKQNELKNVK

ClinVar aggregate classification (germline): Uncertain significance (1 of 4 stars; one submission).

Conditions:
Hereditary cancer-predisposing syndrome. Also called: Hereditary neoplastic syndrome; Tumor predisposition; Neoplastic Syndromes, Hereditary; Hereditary Cancer Syndrome. Identifiers: Orphanet 140162, MedGen C0027672, MeSH D009386, MONDO:0015356.

Submission:

Labcorp Genetics (formerly Invitae), Labcorp
Classification: Uncertain significance for Hereditary cancer-predisposing syndrome. Last evaluated: 2023-05-01. Review status: criteria provided, single submitter. Criteria: Invitae Variant Classification Sherloc (09022015). Collection method: clinical testing. Allele origin: germline.
Comment: Advanced modeling of protein sequence and biophysical properties (such as structural, functional, and spatial information, amino acid conservation, physicochemical variation, residue mobility, and thermodynamic stability) performed at Invitae indicates that this missense variant is expected to disrupt RAD50 protein function. In summary, the available evidence is currently insufficient to determine the role of this variant in disease. Therefore, it has been classified as a Variant of Uncertain Significance. This variant has not been reported in the literature in individuals affected with RAD50-related conditions. This variant is not present in population databases (gnomAD no frequency). This sequence change replaces serine, which is neutral and polar, with cysteine, which is neutral and slightly polar, at codon 451 of the RAD50 protein (p.Ser451Cys).